The following is an entry in ClinVar:

NM_001044370.2(MPPED1):c.64G>A (p.Gly22Ser)

Gene: MPPED1 (metallophosphoesterase domain containing 1; plus strand). Cytogenetic location: 22q13.2.
Variant type: single nucleotide variant.
Coding change: c.64G>A on transcript NM_001044370.2 (MANE Select); coding-DNA position 64, G replaced by A.
Protein change: p.Gly22Ser; replaces glycine 22 with serine.
Molecular consequence: missense variant.
Genome position (GRCh38, 1-based): chr22:43,425,049, G>A. VCF-style: chr22-43425049-G-A. GRCh37 (hg19) VCF-style: chr22-43821055-G-A.
Other names: c.64G>A, p.Gly22Ser (NM_001362786.2, NM_001585.2); short protein forms G22S.
Identifiers: ClinVar variation 2247468 (VCV002247468.2), dbSNP rs769486981, ClinGen allele CA10275081.

ClinVar aggregate classification (germline): Uncertain significance (1 of 4 stars; one submission).

Allele frequency attached by ClinVar (database versions not stated): ExAC 0.00002.
gnomAD v4.1: 3 of 1,612,764 alleles (0.00019%); highest among the groups gnomAD compares: Non-Finnish European, 0.00017%; no homozygotes.

Submission:

Ambry Genetics
Classification: Uncertain significance. Last evaluated: 2021-08-30. Review status: criteria provided, single submitter. Criteria: Ambry Variant Classification Scheme 2023. Collection method: clinical testing. Allele origin: germline.
Comment: The c.64G>A (p.G22S) alteration is located in exon (coding exon ) of the MPPED1 gene. This alteration results from a G to A substitution at nucleotide position 64, causing the glycine (G) at amino acid position 22 to be replaced by a serine (S). Based on insufficient or conflicting evidence, the clinical significance of this alteration remains unclear.